The following is an entry in ClinVar:

ClinVar aggregate classification (germline): Uncertain significance (1 of 4 stars; one submission).

Submission:

Labcorp Genetics (formerly Invitae), Labcorp
Classification: Uncertain significance. Last evaluated: 2022-05-25. Review status: criteria provided, single submitter. Criteria: Invitae Variant Classification Sherloc (09022015). Collection method: clinical testing. Allele origin: germline.
Comment: This sequence change replaces isoleucine, which is neutral and non-polar, with leucine, which is neutral and non-polar, at codon 838 of the ADGRV1 protein (p.Ile838Leu). This variant is not present in population databases (gnomAD no frequency). This variant has not been reported in the literature in individuals affected with ADGRV1-related conditions. Algorithms developed to predict the effect of missense changes on protein structure and function (SIFT, PolyPhen-2, Align-GVGD) all suggest that this variant is likely to be tolerated. In summary, the available evidence is currently insufficient to determine the role of this variant in disease. Therefore, it has been classified as a Variant of Uncertain Significance.

NM_032119.4(ADGRV1):c.2512A>C (p.Ile838Leu)

Gene: ADGRV1 (adhesion G protein-coupled receptor V1; plus strand). Cytogenetic location: 5q14.3.
Variant type: single nucleotide variant.
Coding change: c.2512A>C on transcript NM_032119.4 (MANE Select); coding-DNA position 2512, A replaced by C.
Protein change: p.Ile838Leu; replaces isoleucine 838 with leucine.
Molecular consequence: missense variant. On other transcripts: non-coding transcript variant (1).
Genome position (GRCh38, 1-based): chr5:90,643,000, A>C. VCF-style: chr5-90643000-A-C. GRCh37 (hg19) VCF-style: chr5-89938817-A-C.
Other names: short protein forms I838L.
Identifiers: ClinVar variation 1995213 (VCV001995213.1), dbSNP rs2531981775, ClinGen allele CA360388508.
Genomic context (GRCh38, chr5:90,643,000, plus strand): 5'-GATAGCAATGAATTCTATGGAAACACGGGAGTACTAGAATTTAAACCTGGAGAAAGGGAG[A>C]TAGTGATCACCTTGCTAGCAAGATTGGATGGGATACCAGAGGTATGGGATTTTATATTTT-3'
Protein context (NP_115495.3, residues 828-848): VLEFKPGERE[Ile838Leu]VITLLARLDG